The following is an entry in ClinVar:

ClinVar aggregate classification (germline): Pathogenic (1 of 4 stars; one submission).

Allele frequency attached by ClinVar (database versions not stated): TOPMed below 0.00001; gnomAD 0.00001.

Submission:

Labcorp Genetics (formerly Invitae), Labcorp
Classification: Pathogenic. Last evaluated: 2023-08-11. Review status: criteria provided, single submitter. Criteria: Invitae Variant Classification Sherloc (09022015). Collection method: clinical testing. Allele origin: germline.
Comment: This variant has not been reported in the literature in individuals affected with PIEZO2-related conditions. This sequence change creates a premature translational stop signal (p.Ser1760*) in the PIEZO2 gene. It is expected to result in an absent or disrupted protein product. Loss-of-function variants in PIEZO2 are known to be pathogenic (PMID: 27653382, 27843126). This variant is not present in population databases (gnomAD no frequency). For these reasons, this variant has been classified as Pathogenic.

Literature cited by the submitters: PubMed 27653382; PubMed 27843126.

NM_001378183.1(PIEZO2):c.5618C>A (p.Ser1873Ter)

Gene: PIEZO2 (piezo type mechanosensitive ion channel component 2; minus strand). Cytogenetic location: 18p11.22.
Variant type: single nucleotide variant.
Coding change: c.5618C>A on transcript NM_001378183.1 (MANE Select); coding-DNA position 5618, C replaced by A.
Protein change: p.Ser1873Ter; replaces serine 1873 with a stop codon.
Molecular consequence: nonsense.
Genome position (GRCh38, 1-based): chr18:10,705,717, G>T on the plus strand (C>A on the coding strand, the complement: PIEZO2 is on the minus strand). VCF-style: chr18-10705717-G-T. GRCh37 (hg19) VCF-style: chr18-10705715-G-T.
Other names: c.5354C>A, p.Ser1785Ter (NM_001410871.1); c.5279C>A, p.Ser1760Ter (NM_022068.4); short protein forms S1785*, S1760*, S1873*.
Identifiers: ClinVar variation 2809659 (VCV002809659.3), dbSNP rs1450658990, ClinGen allele CA401911038.